The following is an entry in ClinVar:

NM_001009944.3(PKD1):c.9078_9116del (p.Thr3027_Arg3039del)

Gene: PKD1 (polycystin 1, transient receptor potential channel interacting; minus strand). Cytogenetic location: 16p13.3.
Variant type: Deletion.
Coding change: c.9078_9116del on transcript NM_001009944.3 (MANE Select); coding-DNA positions 9078 to 9116, 39 bases deleted.
Protein change: p.Thr3027_Arg3039del.
Molecular consequence: inframe deletion.
Genome position (GRCh38, 1-based): chr16:2,102,466-2,102,504, 39 bases deleted; deleting any 39 consecutive bases within chr16:2,102,466-2,102,506 gives the same sequence; the c. name uses the placement nearest the transcript's 3' end. GRCh37 (hg19): chr16:2,152,469-2,152,507.
Other names: c.9078_9116del, p.Thr3027_Arg3039del (NM_000296.4); c.9078_9116del39 (NM_001009944.3).
Identifiers: ClinVar variation 3902606 (VCV003902606.1).
Genomic context (GRCh38, chr16:2,102,465, plus strand): 5'-TGGGGGCACGAAGAGGCTGGCGCCGAAGGCGGTGAGGTGGCGGGTGAGGCAGACGGCCTG[GCGGGGCGAGGTCTCCTCCAGGGGCAGCAGCCCCTCTGTC>G]CGCCACACCATGTCCTCCTCGCTGAAGTACTGGCACAGGGACGTGTACAGGCCCACGGAC-3'

ClinVar aggregate classification (germline): Uncertain significance (1 of 4 stars; one submission).

Submission:

Women's Health and Genetics/Laboratory Corporation of America, LabCorp
Classification: Uncertain significance. Last evaluated: 2025-05-01. Review status: criteria provided, single submitter. Criteria: LabCorp Variant Classification Summary - May 2015. Collection method: clinical testing. Allele origin: germline.
Comment: Variant summary: PKD1 c.9078_9116del39 (p.Thr3027_Arg3039del) results in an in-frame deletion that is predicted to remove 13 amino acids from the encoded protein. The variant was absent in 158788 control chromosomes. The available data on variant occurrences in the general population are insufficient to allow any conclusion about variant significance. To our knowledge, no occurrence of c.9078_9116del39 in individuals affected with PKD1-Biallelic Autosomal Recessive Polycystic Kidney Disease and no experimental evidence demonstrating its impact on protein function have been reported. No submitters have cited clinical-significance assessments for this variant to ClinVar. Based on the evidence outlined above, the variant was classified as uncertain significance.